The following is an entry in ClinVar:

ClinVar aggregate classification (germline): Uncertain significance (1 of 4 stars; one submission).

Submission:

Labcorp Genetics (formerly Invitae), Labcorp
Classification: Uncertain significance. Last evaluated: 2024-10-23. Review status: criteria provided, single submitter. Criteria: Invitae Variant Classification Sherloc (09022015). Collection method: clinical testing. Allele origin: germline.
Comment: This sequence change replaces glycine, which is neutral and non-polar, with alanine, which is neutral and non-polar, at codon 125 of the LAMB3 protein (p.Gly125Ala). This variant is present in population databases (rs574291969, gnomAD 0.01%). This variant has not been reported in the literature in individuals affected with LAMB3-related conditions. An algorithm developed to predict the effect of missense changes on protein structure and function (PolyPhen-2) suggests that this variant¬†is likely to be tolerated. In summary, the available evidence is currently insufficient to determine the role of this variant in disease. Therefore, it has been classified as a Variant of Uncertain Significance.

NM_000228.3(LAMB3):c.374G>C (p.Gly125Ala)

Gene: LAMB3 (laminin subunit beta 3; minus strand). Cytogenetic location: 1q32.2.
Variant type: single nucleotide variant.
Coding change: c.374G>C on transcript NM_000228.3 (MANE Select); coding-DNA position 374, G replaced by C.
Protein change: p.Gly125Ala; replaces glycine 125 with alanine.
Molecular consequence: missense variant.
Genome position (GRCh38, 1-based): chr1:209,634,637, C>G on the plus strand (G>C on the coding strand, the complement: LAMB3 is on the minus strand). VCF-style: chr1-209634637-C-G. GRCh37 (hg19) VCF-style: chr1-209807982-C-G.
Other names: c.374G>C, p.Gly125Ala (NM_001017402.2, NM_001127641.1); short protein forms G125A.
Identifiers: ClinVar variation 3703070 (VCV003703070.1).